The following is an entry in ClinVar:

NM_002691.4(POLD1):c.1724C>T (p.Ser575Leu)

Gene: POLD1 (DNA polymerase delta 1, catalytic subunit; plus strand). Cytogenetic location: 19q13.33.
Variant type: single nucleotide variant.
Coding change: c.1724C>T on transcript NM_002691.4 (MANE Select); coding-DNA position 1724, C replaced by T.
Protein change: p.Ser575Leu; replaces serine 575 with leucine.
Molecular consequence: missense variant. On other transcripts: non-coding transcript variant (1).
Genome position (GRCh38, 1-based): chr19:50,407,364, C>T. VCF-style: chr19-50407364-C-T. GRCh37 (hg19) VCF-style: chr19-50910621-C-T.
Other names: c.1724C>T, p.Ser575Leu (NM_001256849.1, NM_001308632.1); short protein forms S575L.
Identifiers: ClinVar variation 1425705 (VCV001425705.6), dbSNP rs2122344538, ClinGen allele CA406981245.

ClinVar aggregate classification (germline): Uncertain significance (1 of 4 stars; one submission).

Conditions:
POLD1-related polyposis and colorectal cancer syndrome (CRCS10). Also called: Colorectal cancer 10; COLORECTAL CANCER, SUSCEPTIBILITY TO, ON CHROMOSOME 19q; Colorectal cancer, susceptibility to, 10. Identifiers: Orphanet 220460, MedGen C2675481, MONDO:0012953, OMIM 612591.

Submission:

Labcorp Genetics (formerly Invitae), Labcorp
Classification: Uncertain significance for POLD1-related polyposis and colorectal cancer syndrome. Last evaluated: 2021-09-04. Review status: criteria provided, single submitter. Criteria: Invitae Variant Classification Sherloc (09022015). Collection method: clinical testing. Allele origin: germline.
Comment: This sequence change replaces serine with leucine at codon 575 of the POLD1 protein (p.Ser575Leu). The serine residue is weakly conserved and there is a large physicochemical difference between serine and leucine. This variant is not present in population databases (ExAC no frequency). This variant has not been reported in the literature in individuals affected with POLD1-related conditions. Algorithms developed to predict the effect of missense changes on protein structure and function are either unavailable or do not agree on the potential impact of this missense change (SIFT: "Deleterious"; PolyPhen-2: "Benign"; Align-GVGD: "Class C0"). In summary, the available evidence is currently insufficient to determine the role of this variant in disease. Therefore, it has been classified as a Variant of Uncertain Significance.